The following is an entry in ClinVar:

NM_000238.4(KCNH2):c.3460G>A (p.Gly1154Ser)

Gene: KCNH2 (potassium voltage-gated channel subfamily H member 2; minus strand). Cytogenetic location: 7q36.1.
Variant type: single nucleotide variant.
Coding change: c.3460G>A on transcript NM_000238.4 (MANE Select); coding-DNA position 3460, G replaced by A.
Protein change: p.Gly1154Ser; replaces glycine 1154 with serine.
Molecular consequence: missense variant.
Genome position (GRCh38, 1-based): chr7:150,945,385, C>T on the plus strand (G>A on the coding strand, the complement: KCNH2 is on the minus strand). VCF-style: chr7-150945385-C-T. GRCh37 (hg19) VCF-style: chr7-150642473-C-T.
Other names: c.3460G>A (NM_000238.2, LRG_288t1); c.2440G>A, p.Gly814Ser (NM_172057.3); short protein forms G1154S, G814S.
Identifiers: ClinVar variation 67498 (VCV000067498.18), dbSNP rs199473548, ClinGen allele CA008338.

ClinVar aggregate classification (germline): Uncertain significance. Review status: criteria provided, multiple submitters, no conflicts (2 of 4 stars). 5 submissions from 5 submitters: Uncertain significance (4). 1 of the submissions does not count toward it. Last evaluated 2025-07-22.

Conditions:
Cardiac arrhythmia. Also called: Cardiac rhythm disease; Arrhythmia. Identifiers: MedGen C0003811, MONDO:0007263, HP:0011675.
Long QT syndrome (LQTS). Identifiers: MedGen C0023976, MeSH D008133, MONDO:0002442. Disease mechanism: loss of function. Inheritance: Various modes of inheritance.

Allele frequency attached by ClinVar (database versions not stated): TOPMed 0.00001.
gnomAD v4.1: 3 of 1,590,848 alleles (0.00019%); highest among the groups gnomAD compares: African/African-American, 0.0013%; no homozygotes.

Submissions (5):

Labcorp Genetics (formerly Invitae), Labcorp
Classification: Uncertain significance for Long QT syndrome. Last evaluated: 2025-07-22. Review status: criteria provided, single submitter. Criteria: Invitae Variant Classification Sherloc (09022015). Collection method: clinical testing. Allele origin: germline.
Comment: This sequence change replaces glycine, which is neutral and non-polar, with serine, which is neutral and polar, at codon 1154 of the KCNH2 protein (p.Gly1154Ser). This variant is not present in population databases (gnomAD no frequency). This variant has not been reported in the literature in individuals affected with KCNH2-related conditions. ClinVar contains an entry for this variant (Variation ID: 67498). An algorithm developed to predict the effect of missense changes on protein structure and function (PolyPhen-2) suggests that this variant is likely to be disruptive. In summary, the available evidence is currently insufficient to determine the role of this variant in disease. Therefore, it has been classified as a Variant of Uncertain Significance.

Color Diagnostics, LLC DBA Color Health
Classification: Uncertain significance for Cardiac arrhythmia. Last evaluated: 2025-06-19. Review status: criteria provided, single submitter. Criteria: ACMG Guidelines, 2015. Collection method: clinical testing. Allele origin: germline.
Comment: This missense variant replaces glycine with serine at codon 1154 of the KCNH2 protein. Computational prediction tool is inconclusive regarding the impact of this variant on protein structure and function. To our knowledge, functional studies have not been reported for this variant. This variant has not been reported in individuals affected with KCNH2-related disorders in the literature. This variant has not been identified in the general population by the Genome Aggregation Database (gnomAD). The available evidence is insufficient to determine the role of this variant in disease conclusively. Therefore, this variant is classified as a Variant of Uncertain Significance.

All of Us Research Program, National Institutes of Health
Classification: Uncertain significance for Long QT syndrome. Last evaluated: 2023-12-01. Review status: criteria provided, single submitter. Criteria: ACMG Guidelines, 2015. Collection method: clinical testing. Allele origin: germline. Inheritance: Autosomal dominant inheritance. Observed: 3 variant alleles, 3 heterozygotes.
Comment: This missense variant replaces glycine with serine at codon 1154 of the KCNH2 protein. Computational prediction is inconclusive regarding the impact of this variant on protein structure and function (internally defined REVEL score threshold 0.5 < inconclusive < 0.7, PMID: 27666373). Splice site prediction tools suggest that this variant may not impact RNA splicing. To our knowledge, functional studies have not been performed for this variant. This variant has not been reported in individuals affected with cardiovascular disorders in the literature. This variant has been reported in a normal healthy individual (PMID: 16487223). This variant has not been identified in the general population by the Genome Aggregation Database (gnomAD). The available evidence is insufficient to determine the role of this variant in disease conclusively. Therefore, this variant is classified as a Variant of Uncertain Significance.

This study involves interpretation of variants in research participants for the purpose of population health screening. Participant phenotype was not available at the time of variant classification. Additional details can be found in publication PMID: 35346344, PMCID: PMC8962531

GeneDx
Classification: Uncertain significance. Last evaluated: 2019-04-16. Review status: criteria provided, single submitter. Criteria: GeneDx Variant Classification Process June 2021. Collection method: clinical testing. Allele origin: germline. Affected: yes.
Comment: Not observed in large population cohorts (Lek et al., 2016); Reported in ClinVar as a variant of uncertain significance (ClinVar Variant ID# 67498; Landrum et al., 2016); In silico analysis, which includes protein predictors and evolutionary conservation, supports that this variant does not alter protein structure/function; This variant is associated with the following publications: (PMID: 16487223)

Cardiovascular Biomedical Research Unit, Royal Brompton & Harefield NHS Foundation Trust
No classification provided. Review status: no classification provided. Collection method: literature only. Allele origin: germline. Not counted in ClinVar's aggregate classification.
Comment: This variant has been reported in the following publications (PMID:16487223).

Literature cited by the submitters: PubMed 16487223 (cited by All of Us Research Program, National Institutes of Health and Cardiovascular Biomedical Research Unit, Royal Brompton & Harefield NHS Foundation Trust); PubMed 22581653 (cited by Cardiovascular Biomedical Research Unit, Royal Brompton & Harefield NHS Foundation Trust).